The following is an entry in ClinVar:

ClinVar aggregate classification (germline): Likely benign. Review status: criteria provided, multiple submitters, no conflicts (2 of 4 stars). 4 submissions from 4 submitters: Likely benign (4). Last evaluated 2025-10-07.

Conditions:
Inborn genetic diseases. Identifiers: MedGen C0950123, MeSH D030342.
GRIN2B-related disorder. Also called: GRIN2B-related condition.
Developmental and epileptic encephalopathy, 27 (DEE27). Also called: GRIN2B-Related Neurodevelopmental Disorder; Epileptic encephalopathy, early infantile, 27. Identifiers: Orphanet 3451, MedGen C4015316, MONDO:0014505, OMIM 616139.
Intellectual developmental disorder, autosomal dominant 6, with or without seizures. Also called: GRIN2B-related developmental delay, intellectual disability and autism spectrum disorder; Intellectual disability, autosomal dominant 6. Identifiers: Orphanet 589547, MedGen C3151411, MONDO:0013509, OMIM 613970.

Allele frequency attached by ClinVar (database versions not stated): TOPMed 0.00022; gnomAD exomes 0.00001 and below 0.00001; gnomAD 0.00007.
gnomAD v4.1: 24 of 1,613,992 alleles (0.0015%); highest among the groups gnomAD compares: Admixed American, 0.028%; no homozygotes.

Submissions (4):

Labcorp Genetics (formerly Invitae), Labcorp
Classification: Likely benign for Developmental and epileptic encephalopathy, 27; Intellectual developmental disorder, autosomal dominant 6, with or without seizures. Last evaluated: 2025-10-07. Review status: criteria provided, single submitter. Criteria: Invitae Variant Classification Sherloc (09022015). Collection method: clinical testing. Allele origin: germline.

PreventionGenetics, part of Exact Sciences
Classification: Likely benign for GRIN2B-related condition. Last evaluated: 2025-01-06. Review status: criteria provided, single submitter. Criteria: ACMG Guidelines, 2015. Collection method: clinical testing. Allele origin: germline.
Comment: This variant is classified as likely benign based on ACMG/AMP sequence variant interpretation guidelines (Richards et al. 2015 PMID: 25741868, with internal and published modifications).

Ambry Genetics
Classification: Likely benign for Inborn genetic diseases. Last evaluated: 2019-04-29. Review status: criteria provided, single submitter. Criteria: Ambry Variant Classification Scheme 2023. Collection method: clinical testing. Allele origin: germline.

GeneDx
Classification: Likely benign. Last evaluated: 2018-04-02. Review status: criteria provided, single submitter. Criteria: GeneDx Variant Classification Process June 2021. Collection method: clinical testing. Allele origin: germline. Affected: yes.

NM_000834.5(GRIN2B):c.1275G>A (p.Leu425=)

Gene: GRIN2B (glutamate ionotropic receptor NMDA type subunit 2B; minus strand). Cytogenetic location: 12p13.1.
Variant type: single nucleotide variant.
Coding change: c.1275G>A on transcript NM_000834.5 (MANE Select); coding-DNA position 1275, G replaced by A.
Protein change: p.Leu425=; no amino-acid change (leucine 425 retained).
Molecular consequence: synonymous variant.
Genome position (GRCh38, 1-based): chr12:13,616,508, C>T on the plus strand (G>A on the coding strand, the complement: GRIN2B is on the minus strand). VCF-style: chr12-13616508-C-T. GRCh37 (hg19) VCF-style: chr12-13769442-C-T.
Identifiers: ClinVar variation 511536 (VCV000511536.15), dbSNP rs950679024, ClinGen allele CA233011420.
Genomic context (GRCh38, chr12:13,616,508, plus strand): 5'-GCCATACTCAGTGACTATGCGTTTTTGGCAGGGGACTGTGTTCCTCATGCAGGTTCCACT[C>T]AGAGGGTCCACACTTTCCACAATGACAAATGGTGCCTCCTCCAGGGTCACAATGCTCAGA-3'
Protein context (NP_000825.2, residues 415-435): PFVIVESVDP[Leu425=]SGTCMRNTVP